The following is an entry in ClinVar:

NM_021830.5(TWNK):c.2042A>G (p.Lys681Arg)

Gene: TWNK (twinkle mtDNA helicase; plus strand). Cytogenetic location: 10q24.31.
Variant type: single nucleotide variant.
Coding change: c.2042A>G on transcript NM_021830.5 (MANE Select); coding-DNA position 2042, A replaced by G.
Protein change: p.Lys681Arg; replaces lysine 681 with arginine.
Molecular consequence: missense variant. On other transcripts: 3 prime UTR variant (2), non-coding transcript variant (5).
Genome position (GRCh38, 1-based): chr10:100,993,497, A>G. VCF-style: chr10-100993497-A-G. GRCh37 (hg19) VCF-style: chr10-102753254-A-G.
Other names: c.*337A>G (NM_001163812.2, NM_001163814.2); c.680A>G, p.Lys227Arg (NM_001163813.2, NM_001368275.1); short protein forms K227R, K681R.
Identifiers: ClinVar variation 3365891 (VCV003365891.1).

ClinVar aggregate classification (germline): Uncertain significance (1 of 4 stars; one submission).

gnomAD v4.1: 2 of 1,614,006 alleles (0.00012%); highest among the groups gnomAD compares: East Asian, 0.0022%; no homozygotes.

Submission:

GeneDx
Classification: Uncertain significance. Last evaluated: 2023-12-26. Review status: criteria provided, single submitter. Criteria: GeneDx Variant Classification Process June 2021. Collection method: clinical testing. Allele origin: germline. Affected: yes.
Comment: Not observed at significant frequency in large population cohorts (gnomAD); In silico analysis supports that this missense variant does not alter protein structure/function; Has not been previously published as pathogenic or benign to our knowledge